The following is an entry in ClinVar:

ClinVar aggregate classification (germline): Uncertain significance. Review status: criteria provided, multiple submitters, no conflicts (2 of 4 stars). 2 submissions from 2 submitters: Uncertain significance (2). Last evaluated 2022-02-03.

Allele frequency attached by ClinVar (database versions not stated): gnomAD exomes below 0.00001 and 0.00002; TOPMed 0.00001; gnomAD 0.00002.
gnomAD v4.1: 35 of 1,614,020 alleles (0.0022%); highest among the groups gnomAD compares: Non-Finnish European, 0.0027%; no homozygotes.

Submissions (2):

Labcorp Genetics (formerly Invitae), Labcorp
Classification: Uncertain significance. Last evaluated: 2022-02-03. Review status: criteria provided, single submitter. Criteria: Invitae Variant Classification Sherloc (09022015). Collection method: clinical testing. Allele origin: germline.
Comment: Algorithms developed to predict the effect of missense changes on protein structure and function (SIFT, PolyPhen-2, Align-GVGD) all suggest that this variant is likely to be disruptive. ClinVar contains an entry for this variant (Variation ID: 951431). This variant has not been reported in the literature in individuals affected with PLA2G5-related conditions. This variant is present in population databases (rs752486178, gnomAD 0.002%). This sequence change replaces cysteine, which is neutral and slightly polar, with arginine, which is basic and polar, at codon 103 of the PLA2G5 protein (p.Cys103Arg). In summary, the available evidence is currently insufficient to determine the role of this variant in disease. Therefore, it has been classified as a Variant of Uncertain Significance.

Blueprint Genetics
Classification: Uncertain significance. Last evaluated: 2019-02-27. Review status: criteria provided, single submitter. Criteria: ACMG Guidelines, 2015. Collection method: clinical testing. Allele origin: germline.

NM_000929.3(PLA2G5):c.307T>C (p.Cys103Arg)

Gene: PLA2G5 (phospholipase A2 group V; plus strand). Cytogenetic location: 1p36.13.
Variant type: single nucleotide variant.
Coding change: c.307T>C on transcript NM_000929.3 (MANE Select); coding-DNA position 307, T replaced by C.
Protein change: p.Cys103Arg; replaces cysteine 103 with arginine.
Molecular consequence: missense variant.
Genome position (GRCh38, 1-based): chr1:20,090,582, T>C. VCF-style: chr1-20090582-T-C. GRCh37 (hg19) VCF-style: chr1-20417075-T-C.
Other names: short protein forms C103R.
Identifiers: ClinVar variation 951431 (VCV000951431.10), dbSNP rs752486178, ClinGen allele CA18910182.